The following is an entry in ClinVar:

ClinVar aggregate classification (germline): Uncertain significance (1 of 4 stars; one submission).

Submission:

Labcorp Genetics (formerly Invitae), Labcorp
Classification: Uncertain significance. Last evaluated: 2023-03-08. Review status: criteria provided, single submitter. Criteria: Invitae Variant Classification Sherloc (09022015). Collection method: clinical testing. Allele origin: germline.
Comment: In summary, the available evidence is currently insufficient to determine the role of this variant in disease. Therefore, it has been classified as a Variant of Uncertain Significance. Advanced modeling of protein sequence and biophysical properties (such as structural, functional, and spatial information, amino acid conservation, physicochemical variation, residue mobility, and thermodynamic stability) performed at Invitae indicates that this missense variant is not expected to disrupt SPTBN2 protein function. This sequence change replaces cysteine, which is neutral and slightly polar, with serine, which is neutral and polar, at codon 231 of the SPTBN2 protein (p.Cys231Ser). This variant is not present in population databases (gnomAD no frequency). This variant has not been reported in the literature in individuals affected with SPTBN2-related conditions.

NM_006946.4(SPTBN2):c.691T>A (p.Cys231Ser)

Gene: SPTBN2 (spectrin beta, non-erythrocytic 2; minus strand). Cytogenetic location: 11q13.2.
Variant type: single nucleotide variant.
Coding change: c.691T>A on transcript NM_006946.4 (MANE Select); coding-DNA position 691, T replaced by A.
Protein change: p.Cys231Ser; replaces cysteine 231 with serine.
Molecular consequence: missense variant.
Genome position (GRCh38, 1-based): chr11:66,713,712, A>T on the plus strand (T>A on the coding strand, the complement: SPTBN2 is on the minus strand). VCF-style: chr11-66713712-A-T. GRCh37 (hg19) VCF-style: chr11-66481183-A-T.
Other names: c.712T>A, p.Cys238Ser (NM_001411025.1); short protein forms C238S, C231S.
Identifiers: ClinVar variation 2844049 (VCV002844049.3), dbSNP rs2496504938, ClinGen allele CA381483038.